The following is an entry in ClinVar:

ClinVar aggregate classification (germline): Uncertain significance (1 of 4 stars; one submission).

Conditions:
Hereditary cancer-predisposing syndrome. Also called: Hereditary Cancer Syndrome; Tumor predisposition; Hereditary neoplastic syndrome; Neoplastic Syndromes, Hereditary. Identifiers: Orphanet 140162, MedGen C0027672, MeSH D009386, MONDO:0015356.

gnomAD v4.1: 2 of 1,569,804 alleles (0.00013%); highest among the groups gnomAD compares: Admixed American, 0.0019%; no homozygotes.

Submission:

Ambry Genetics
Classification: Uncertain significance for Hereditary cancer-predisposing syndrome. Last evaluated: 2024-05-10. Review status: criteria provided, single submitter. Criteria: Ambry Variant Classification Scheme 2023. Collection method: clinical testing. Allele origin: germline.
Comment: The p.K205R variant (also known as c.614A>G), located in coding exon 8 of the BAP1 gene, results from an A to G substitution at nucleotide position 614. The lysine at codon 205 is replaced by arginine, an amino acid with highly similar properties. This amino acid position is conserved. In addition, the in silico prediction for this alteration is inconclusive. Based on the available evidence, the clinical significance of this variant remains unclear.

NM_004656.4(BAP1):c.614A>G (p.Lys205Arg)

Gene: BAP1 (BRCA1 associated deubiquitinase 1; minus strand). Cytogenetic location: 3p21.1.
Variant type: single nucleotide variant.
Coding change: c.614A>G on transcript NM_004656.4 (MANE Select); coding-DNA position 614, A replaced by G.
Protein change: p.Lys205Arg; replaces lysine 205 with arginine.
Molecular consequence: missense variant.
Genome position (GRCh38, 1-based): chr3:52,406,874, T>C on the plus strand (A>G on the coding strand, the complement: BAP1 is on the minus strand). VCF-style: chr3-52406874-T-C. GRCh37 (hg19) VCF-style: chr3-52440890-T-C.
Other names: c.614A>G, p.Lys205Arg (NM_001410772.1); short protein forms K205R.
Identifiers: ClinVar variation 3260388 (VCV003260388.1).
Genomic context (GRCh38, chr3:52,406,874, plus strand): 5'-GCACAGGGCCCTTACCCTGCAGTGGCGAGGCCGATACGCTCCATGATGACCCGCCGGGCC[T>C]TGTCTGTCCACTCCTCGTCCTCCCCCCAGGGCCCTAGTGGAGACCAAGACAAGGAATCAG-3'
Protein context (NP_004647.1, residues 195-215): PWGEDEEWTD[Lys205Arg]ARRVIMERIG